The following is an entry in ClinVar:

NM_004415.4(DSP):c.262A>G (p.Ile88Val)

Gene: DSP (desmoplakin; plus strand). Cytogenetic location: 6p24.3.
Variant type: single nucleotide variant.
Coding change: c.262A>G on transcript NM_004415.4 (MANE Select); coding-DNA position 262, A replaced by G.
Protein change: p.Ile88Val; replaces isoleucine 88 with valine.
Molecular consequence: missense variant.
Genome position (GRCh38, 1-based): chr6:7,555,809, A>G. VCF-style: chr6-7555809-A-G. GRCh37 (hg19) VCF-style: chr6-7556042-A-G.
Other names: c.262A>G, p.Ile88Val (NM_001008844.3, NM_001319034.2); short protein forms I88V.
Identifiers: ClinVar variation 1432445 (VCV001432445.12), dbSNP rs1581791030, ClinGen allele CA362670870.

ClinVar aggregate classification (germline): Uncertain significance. Review status: criteria provided, multiple submitters, no conflicts (2 of 4 stars). 2 submissions from 2 submitters: Uncertain significance (2). Last evaluated 2022-04-19.

Conditions:
Arrhythmogenic right ventricular dysplasia 8 (ARVD8). Also called: ARRHYTHMOGENIC RIGHT VENTRICULAR DYSPLASIA, FAMILIAL, 8; ARRHYTHMOGENIC RIGHT VENTRICULAR CARDIOMYOPATHY 8; Arrhythmogenic Right Ventricular Dysplasia/Cardiomyopathy 8. Identifiers: MedGen C1843896, MONDO:0011831, OMIM 607450.
Arrhythmogenic cardiomyopathy with wooly hair and keratoderma. Also called: Arrhythmogenic cardiomyopathy with woolly hair and keratoderma; PALMOPLANTAR KERATODERMA WITH LEFT VENTRICULAR CARDIOMYOPATHY AND WOOLLY HAIR; Carvajal syndrome; Dilated cardiomyopathy with woolly hair and keratoderma. Identifiers: Orphanet 65282, MedGen C1854063, MONDO:0011581, OMIM 605676.
Cardiovascular phenotype. Identifiers: MedGen CN230736.

Submissions (2):

Ambry Genetics
Classification: Uncertain significance for Cardiovascular phenotype. Last evaluated: 2022-04-19. Review status: criteria provided, single submitter. Criteria: Ambry Variant Classification Scheme 2023. Collection method: clinical testing. Allele origin: germline.
Comment: The p.I88V variant (also known as c.262A>G), located in coding exon 2 of the DSP gene, results from an A to G substitution at nucleotide position 262. The isoleucine at codon 88 is replaced by valine, an amino acid with highly similar properties. This amino acid position is conserved. In addition, this alteration is predicted to be tolerated by in silico analysis. Since supporting evidence is limited at this time, the clinical significance of this alteration remains unclear.

Labcorp Genetics (formerly Invitae), Labcorp
Classification: Uncertain significance for Arrhythmogenic cardiomyopathy with wooly hair and keratoderma; Arrhythmogenic right ventricular dysplasia 8. Last evaluated: 2021-11-13. Review status: criteria provided, single submitter. Criteria: Invitae Variant Classification Sherloc (09022015). Collection method: clinical testing. Allele origin: germline.
Comment: In summary, the available evidence is currently insufficient to determine the role of this variant in disease. Therefore, it has been classified as a Variant of Uncertain Significance. Algorithms developed to predict the effect of missense changes on protein structure and function (SIFT, PolyPhen-2, Align-GVGD) all suggest that this variant is likely to be tolerated. This variant has not been reported in the literature in individuals affected with DSP-related conditions. This variant is not present in population databases (gnomAD no frequency). This sequence change replaces isoleucine, which is neutral and non-polar, with valine, which is neutral and non-polar, at codon 88 of the DSP protein (p.Ile88Val).